The following is an entry in ClinVar:

NM_000784.4(CYP27A1):c.1312T>G (p.Phe438Val)

Gene: CYP27A1 (cytochrome P450 family 27 subfamily A member 1; plus strand). Cytogenetic location: 2q35.
Variant type: single nucleotide variant.
Coding change: c.1312T>G on transcript NM_000784.4 (MANE Select); coding-DNA position 1312, T replaced by G.
Protein change: p.Phe438Val; replaces phenylalanine 438 with valine.
Molecular consequence: missense variant.
Genome position (GRCh38, 1-based): chr2:218,814,593, T>G. VCF-style: chr2-218814593-T-G. GRCh37 (hg19) VCF-style: chr2-219679316-T-G.
Other names: short protein forms F438V.
Identifiers: ClinVar variation 2110104 (VCV002110104.3), dbSNP rs367920782, ClinGen allele CA2112872.

ClinVar aggregate classification (germline): Uncertain significance (1 of 4 stars; one submission).

Conditions:
Cholestanol storage disease (CTX). Also called: CEREBRAL CHOLESTERINOSIS; Cerebrotendinous Xanthomatosis; CTX: Cerebrotendinous xanthomatosis. Identifiers: Orphanet 909, MedGen C0238052, MONDO:0008948, OMIM 213700.

Allele frequency attached by ClinVar (database versions not stated): ExAC 0.00001; TOPMed 0.00002; gnomAD 0.00003; ESP Exome Variant Server 0.00008.
gnomAD v4.1: 5 of 1,614,094 alleles (0.00031%); highest among the groups gnomAD compares: African/African-American, 0.0067%; no homozygotes.

Submission:

Labcorp Genetics (formerly Invitae), Labcorp
Classification: Uncertain significance for Cholestanol storage disease. Last evaluated: 2023-08-17. Review status: criteria provided, single submitter. Criteria: Invitae Variant Classification Sherloc (09022015). Collection method: clinical testing. Allele origin: germline.
Comment: This sequence change replaces phenylalanine, which is neutral and non-polar, with valine, which is neutral and non-polar, at codon 438 of the CYP27A1 protein (p.Phe438Val). This variant is not present in population databases (gnomAD no frequency). This variant has not been reported in the literature in individuals affected with CYP27A1-related conditions. ClinVar contains an entry for this variant (Variation ID: 2110104). Advanced modeling of protein sequence and biophysical properties (such as structural, functional, and spatial information, amino acid conservation, physicochemical variation, residue mobility, and thermodynamic stability) has been performed at Invitae for this missense variant, however the output from this modeling did not meet the statistical confidence thresholds required to predict the impact of this variant on CYP27A1 protein function. In summary, the available evidence is currently insufficient to determine the role of this variant in disease. Therefore, it has been classified as a Variant of Uncertain Significance.